The following is an entry in ClinVar:

ClinVar aggregate classification (germline): Pathogenic. Review status: reviewed by expert panel (3 of 4 stars). 6 submissions from 6 submitters: Pathogenic (1). 5 of the submissions do not count toward it. Last evaluated 2016-09-08.

Conditions:
Hereditary cancer-predisposing syndrome. Also called: Hereditary Cancer Syndrome; Hereditary neoplastic syndrome; Neoplastic Syndromes, Hereditary; Tumor predisposition. Identifiers: Orphanet 140162, MedGen C0027672, MeSH D009386, MONDO:0015356.
Breast-ovarian cancer, familial, susceptibility to, 1 (BROVCA1). Also called: BRCA1 Hereditary Breast and Ovarian Cancer; OVARIAN CANCER, SUSCEPTIBILITY TO. Identifiers: Orphanet 145, MedGen C2676676, MONDO:0011450, OMIM 604370. Disease mechanism: loss of function.
Hereditary breast ovarian cancer syndrome. Also called: BRCA1- and BRCA2-Associated Hereditary Breast and Ovarian Cancer; Hereditary breast and ovarian cancer syndrome; Hereditary breast and ovarian cancer syndrome (HBOC); Breast and ovarian cancer; Hereditary breast and/or ovarian cancer syndrome; Hereditary breast and ovarian cancer. Identifiers: Orphanet 145, MedGen C0677776, MeSH D061325, MONDO:0003582. Disease mechanism: loss of function.

Submissions (6):

Evidence-based Network for the Interpretation of Germline Mutant Alleles (ENIGMA)
Classification: Pathogenic for Breast-ovarian cancer, familial, susceptibility to, 1. Last evaluated: 2016-09-08. Review status: reviewed by expert panel. Criteria: ENIGMA BRCA1/2 Classification Criteria (2015). Collection method: curation. Allele origin: germline.
Comment: Variant allele predicted to encode a truncated non-functional protein.

Ambry Genetics
Classification: Pathogenic for Hereditary cancer-predisposing syndrome. Last evaluated: 2026-01-22. Review status: criteria provided, single submitter. Criteria: Ambry Variant Classification Scheme 2023. Collection method: clinical testing. Allele origin: germline. Not counted in ClinVar's aggregate classification.
Comment: The c.5091_5092delTG pathogenic mutation, located in coding exon 16 of the BRCA1 gene, results from a deletion of two nucleotides at nucleotide positions 5091 to 5092, causing a translational frameshift with a predicted alternate stop codon (p.C1697*). This variant is considered to be rare based on population cohorts in the Genome Aggregation Database (gnomAD). This alteration is expected to result in loss of function by premature protein truncation or nonsense-mediated mRNA decay. As such, this alteration is interpreted as a disease-causing mutation.

Labcorp Genetics (formerly Invitae), Labcorp
Classification: Pathogenic for Hereditary breast ovarian cancer syndrome. Last evaluated: 2025-09-30. Review status: criteria provided, single submitter. Criteria: Invitae Variant Classification Sherloc (09022015). Collection method: clinical testing. Allele origin: germline. Not counted in ClinVar's aggregate classification.
Comment: This sequence change creates a premature translational stop signal (p.Cys1697*) in the BRCA1 gene. It is expected to result in an absent or disrupted protein product. Loss-of-function variants in BRCA1 are known to be pathogenic (PMID: 20104584). This variant is not present in population databases (gnomAD no frequency). This premature translational stop signal has been observed in individual(s) with a personal or family history of breast and ovarian cancer (PMID: 26543556, 27083178, 29752822, 30702160). ClinVar contains an entry for this variant (Variation ID: 55394). For these reasons, this variant has been classified as Pathogenic.

Molecular Diagnostics Laboratory, Catalan Institute of Oncology
Classification: Pathogenic for Hereditary cancer-predisposing syndrome. Last evaluated: 2024-11-24. Review status: criteria provided, single submitter. Criteria: ClinGen BRCA1BRCA2 ACMG Specifications BRCA1 V1.0.0. Collection method: clinical testing. Allele origin: germline. Not counted in ClinVar's aggregate classification.
Comment: PVS1, PM5_PTC_Strong c.5091_5092del, located in exon 17 (18 according BIC nomenclature) of the BRCA1 gene, consists in the deletion of 2 nucleotides, causing a translational frameshift with a predicted alternate stop codon, p.(Cys1697*). This alteration isexpected to result in loss of function by premature protein truncation and nonsense-mediated mRNA decay (PVS1). It is not present in the population database gnomAD v2.1.1, non-cancer dataset. To our knowledge, no well-established functional studies have been reported for this variant. Additional bibliographic information has not been evaluated for this variant. This variant has been reported in the ClinVar database (3x pathogenic), in the LOVD (6x pathogenic) and in BRCA Exchange database (pathogenic). This variant leads to a stop gain at a clinically important functional domain (PM5_PTC_S). Based on currently available information, the variant c.5091_5092del should be considered a pathogenic variant, according to ClinGen ENIGMA BRCA1 and BRCA2 Expert Panel Specifications to the ACMG/AMP Variant Interpretation Guidelines for BRCA1 Version 1.0.0.

Women's Health and Genetics/Laboratory Corporation of America, LabCorp
Classification: Pathogenic for Hereditary breast ovarian cancer syndrome. Last evaluated: 2022-08-09. Review status: criteria provided, single submitter. Criteria: LabCorp Variant Classification Summary - May 2015. Collection method: clinical testing. Allele origin: germline. Not counted in ClinVar's aggregate classification.
Comment: Variant summary: BRCA1 c.5091_5092delTG (p.Cys1697X) results in a premature termination codon, predicted to cause a truncation of the encoded protein or absence of the protein due to nonsense mediated decay, which are commonly known mechanisms for disease. Truncations downstream of this position have been classified as pathogenic by our laboratory. The variant was absent in 251262 control chromosomes. c.5091_5092delTG has been reported in the literature in individuals affected with Hereditary Breast And Ovarian Cancer Syndrome (eg. Dean_2015, Lang_2017, Li_2018, etc). These data indicate that the variant is likely to be associated with disease. Two clinical diagnostic laboratories have submitted clinical-significance assessments for this variant to ClinVar after 2014 without evidence for independent evaluation. All laboratories classified the variant as pathogenic. Based on the evidence outlined above, the variant was classified as pathogenic.

Breast Cancer Information Core (BIC) (BRCA1)
Classification: Pathogenic for Breast-ovarian cancer, familial 1. Last evaluated: 2004-11-25. Review status: no assertion criteria provided. Collection method: clinical testing. Allele origin: germline. Affected: yes. Observed: 2 variant alleles. Not counted in ClinVar's aggregate classification.

Literature cited by the submitters: PubMed 20104584 (cited by Labcorp Genetics (formerly Invitae), Labcorp); PubMed 26543556 (cited by Labcorp Genetics (formerly Invitae), Labcorp and Women's Health and Genetics/Laboratory Corporation of America, LabCorp); PubMed 27083178 (cited by Labcorp Genetics (formerly Invitae), Labcorp); PubMed 29752822 (cited by Labcorp Genetics (formerly Invitae), Labcorp and Women's Health and Genetics/Laboratory Corporation of America, LabCorp); PubMed 30702160 (cited by Labcorp Genetics (formerly Invitae), Labcorp); PubMed 28294317 (cited by Women's Health and Genetics/Laboratory Corporation of America, LabCorp).

NM_007294.4(BRCA1):c.5091_5092del (p.Cys1697_Glu1698delinsTer)

Gene: BRCA1 (BRCA1 DNA repair associated; minus strand). Cytogenetic location: 17q21.31.
Variant type: Microsatellite.
Coding change: c.5091_5092del on transcript NM_007294.4 (MANE Select); coding-DNA positions 5091 to 5092, 2 bases deleted (TG; older notation c.5091_5092delTG).
Protein change: p.Cys1697_Glu1698delinsTer.
Molecular consequence: nonsense. On other transcripts: frameshift variant (366), non-coding transcript variant (1).
Genome position (GRCh38, 1-based): chr17:43,063,934-43,063,935, CA deleted on the plus strand (TG on the coding strand, the reverse complement: BRCA1 is on the minus strand); deleting any 2 consecutive bases within chr17:43,063,934-43,063,941 gives the same sequence; the c. name uses the placement nearest the transcript's 3' end. VCF-style (leftmost placement, unchanged base first): chr17-43063933-TCA-T. GRCh37 (hg19) VCF-style: chr17-41215950-TCA-T.
Other names: 5210delTG; c.5091_5092del (NM_007294.3); c.5091_5092delTG (NM_007294.3); c.5085_5086TG[3], p.Cys1697Terfs (NM_001407596.1, NM_001407597.1, NM_001407598.1 and 8 more transcripts); c.5082_5083TG[3], p.Cys1696Terfs (NM_001407610.1, NM_001407611.1, NM_001407612.1 and 17 more transcripts); c.5079_5080TG[3], p.Cys1695Terfs (NM_001407627.1, NM_001407628.1, NM_001407629.1 and 14 more transcripts); c.5076_5077TG[3], p.Cys1694Terfs (NM_001407644.1, NM_001407645.1); c.5073_5074TG[3], p.Cys1693Terfs (NM_001407646.1); and 77 more.
Identifiers: ClinVar variation 55394 (VCV000055394.15), dbSNP rs80357710, ClinGen allele CA003231.